The following is an entry in ClinVar:

ClinVar aggregate classification (germline): Uncertain significance. Review status: criteria provided, single submitter (1 of 4 stars). 3 submissions from 3 submitters: Uncertain significance (1). 2 of the submissions do not count toward it. Last evaluated 2015-11-25.

Conditions:
Usher syndrome type 1C. Also called: USHER SYNDROME, TYPE I, ACADIAN VARIETY. Identifiers: Orphanet 231169, Orphanet 886, MedGen C1848604, MONDO:0010171, OMIM 276904.
Autosomal recessive nonsyndromic hearing loss 18A. Also called: DEAFNESS, AUTOSOMAL RECESSIVE 18; Deafness, autosomal recessive 18A. Identifiers: Orphanet 90636, MedGen C1865870, MONDO:0011192, OMIM 602092.

Allele frequency attached by ClinVar (database versions not stated): TOPMed 0.00002.
gnomAD v4.1: 3 of 1,613,828 alleles (0.00019%); highest among the groups gnomAD compares: African/African-American, 0.004%; no homozygotes.

Submissions (3):

Laboratory for Molecular Medicine, Mass General Brigham Personalized Medicine
Classification: Uncertain significance. Last evaluated: 2015-11-25. Review status: criteria provided, single submitter. Criteria: LMM Criteria. Collection method: clinical testing. Allele origin: germline. Observed: 1 variant allele.
Comment: The p.Ser82Cys variant in USH1C has not been previously reported in individuals with hearing loss and was absent from large population studies. Computational pr ediction tools and conservation analysis suggest that this variant may impact th e protein, though this information is not predictive enough to determine pathoge nicity. In summary, the clinical significance of the p.Ser82Cys variant is uncer tain.

Natera, Inc.
Classification: Uncertain significance for Usher syndrome type 1C. Last evaluated: 2020-12-30. Review status: no assertion criteria provided. Collection method: clinical testing. Allele origin: germline. Not counted in ClinVar's aggregate classification.

Counsyl
Classification: Uncertain significance for Usher syndrome type 1C; Autosomal recessive nonsyndromic hearing loss 18A. Last evaluated: 2017-11-26. Review status: no assertion criteria provided. Collection method: clinical testing. Allele origin: unknown. Not counted in ClinVar's aggregate classification.

NM_153676.4(USH1C):c.245C>G (p.Ser82Cys)

Gene: USH1C (USH1 protein network component harmonin; minus strand). Cytogenetic location: 11p15.1.
Variant type: single nucleotide variant.
Coding change: c.245C>G on transcript NM_153676.4 (MANE Select); coding-DNA position 245, C replaced by G.
Protein change: p.Ser82Cys; replaces serine 82 with cysteine.
Molecular consequence: missense variant. On other transcripts: non-coding transcript variant (1).
Genome position (GRCh38, 1-based): chr11:17,531,402, G>C on the plus strand (C>G on the coding strand, the complement: USH1C is on the minus strand). VCF-style: chr11-17531402-G-C. GRCh37 (hg19) VCF-style: chr11-17552949-G-C.
Other names: c.245C>G, p.Ser82Cys (NM_001297764.2, NM_005709.4); short protein forms S82C.
Identifiers: ClinVar variation 229605 (VCV000229605.7), dbSNP rs769021971, ClinGen allele CA10576847.
Genomic context (GRCh38, chr11:17,531,402, plus strand): 5'-CCCCGCCCAGGGTGATCTCTCCACCCCCTGCCTCCAGCCTGGTGGCTTCCTCTGCACCTG[G>C]AGCGCCGGGGGGTCAGCTGATCATATTCCACCTGGTGCTTCAGTGGGATCAGCGGCCGAA-3'
Protein context (NP_710142.1, residues 72-92): VEYDQLTPRR[Ser82Cys]RKLKEVRLDR